The following is an entry in ClinVar:

ClinVar aggregate classification (germline): Uncertain significance (1 of 4 stars; one submission).

Conditions:
Walker-Warburg congenital muscular dystrophy. Also called: Muscular dystrophy-dystroglycanopathy, type A; Walker-Warburg syndrome. Identifiers: Orphanet 899, MedGen C0265221, MONDO:0000171.

Allele frequency attached by ClinVar (database versions not stated): gnomAD exomes below 0.00001.

Submission:

Labcorp Genetics (formerly Invitae), Labcorp
Classification: Uncertain significance for Walker-Warburg congenital muscular dystrophy. Last evaluated: 2021-08-31. Review status: criteria provided, single submitter. Criteria: Invitae Variant Classification Sherloc (09022015). Collection method: clinical testing. Allele origin: germline.
Comment: This sequence change falls in intron 6 of the FKTN gene. It does not directly change the encoded amino acid sequence of the FKTN protein. It affects a nucleotide within the consensus splice site of the intron. This variant is not present in population databases (ExAC no frequency). This variant has not been reported in the literature in individuals affected with FKTN-related conditions. Variants that disrupt the consensus splice site are a relatively common cause of aberrant splicing (PMID: 17576681, 9536098). Algorithms developed to predict the effect of sequence changes on RNA splicing suggest that this variant is not likely to affect RNA splicing. In summary, the available evidence is currently insufficient to determine the role of this variant in disease. Therefore, it has been classified as a Variant of Uncertain Significance.

Literature cited by the submitters: PubMed 17576681; PubMed 9536098.

NM_001079802.2(FKTN):c.648-3C>T

Gene: FKTN (fukutin; plus strand). Cytogenetic location: 9q31.2.
Variant type: single nucleotide variant.
Coding change: c.648-3C>T on transcript NM_001079802.2 (MANE Select); 3 bases into the intron before coding-DNA position 648, C replaced by T.
Molecular consequence: intron variant.
Genome position (GRCh38, 1-based): chr9:105,607,816, C>T. VCF-style: chr9-105607816-C-T. GRCh37 (hg19) VCF-style: chr9-108370097-C-T.
Other names: c.648-3C>T (NM_006731.2, NM_001351496.2, NM_001198963.2 and 1 more transcripts); c.252-3C>T (NM_001351502.2, NM_001351499.2, NM_001351500.2 and 1 more transcripts); c.579-3C>T (NM_001351497.2).
Identifiers: ClinVar variation 950537 (VCV000950537.7), dbSNP rs1430063746, ClinGen allele CA589859192.
Genomic context (GRCh38, chr9:105,607,816, plus strand): 5'-CCTAATGTTCTCCCTCCCTGTTTCCCCCACCCCTCATTAATAAATCTTAACTTTTGTTTT[C>T]AGGCCAGAGTTACAGCAAGTTACTGTTGATGGACTGGAAGTTCTCATTCCAAAGGATCCA-3'